The following is an entry in ClinVar:

ClinVar aggregate classification (germline): Uncertain significance (1 of 4 stars; one submission).

Submission:

CeGaT Center for Human Genetics Tuebingen
Classification: Uncertain significance. Last evaluated: 2022-03-01. Review status: criteria provided, single submitter. Criteria: CeGaT Center For Human Genetics Tuebingen Variant Classification Criteria Version 2. Collection method: clinical testing. Allele origin: germline. Affected: yes. Observed: 1 variant allele.
Comment: PTPRQ: PM2, PP4

NM_001145026.2(PTPRQ):c.3644A>G (p.Tyr1215Cys)

Gene: PTPRQ (protein tyrosine phosphatase receptor type Q; plus strand). Cytogenetic location: 12q21.31.
Variant type: single nucleotide variant.
Coding change: c.3644A>G on transcript NM_001145026.2 (MANE Select); coding-DNA position 3644, A replaced by G.
Protein change: p.Tyr1215Cys; replaces tyrosine 1215 with cysteine.
Molecular consequence: missense variant.
Genome position (GRCh38, 1-based): chr12:80,542,287, A>G. VCF-style: chr12-80542287-A-G. GRCh37 (hg19) VCF-style: chr12-80936066-A-G.
Other names: short protein forms Y1215C.
Identifiers: ClinVar variation 1675508 (VCV001675508.33), dbSNP rs2120841310, ClinGen allele CA385875505.
Genomic context (GRCh38, chr12:80,542,287, plus strand): 5'-ATTCTTTCATTACTTCTGATAATTACATAATATTGGAAGAGCTTTCACCATTTACATTAT[A>G]TAGCTTTTTTGCTGCCGCAAGAACTAGAAAAGGACTTGGTCCTTCCAGTATTCTTTTCTT-3'
Protein context (NP_001138498.1, residues 1205-1225): ILEELSPFTL[Tyr1215Cys]SFFAAARTRK